The following is an entry in ClinVar:

NM_001743.6(CALM2):c.421+4A>C

Gene: CALM2 (calmodulin 2; minus strand). Cytogenetic location: 2p21.
Variant type: single nucleotide variant.
Coding change: c.421+4A>C on transcript NM_001743.6 (MANE Select); 4 bases into the intron after coding-DNA position 421, A replaced by C.
Molecular consequence: intron variant.
Genome position (GRCh38, 1-based): chr2:47,161,719, T>G on the plus strand (A>C on the coding strand, the complement: CALM2 is on the minus strand). VCF-style: chr2-47161719-T-G. GRCh37 (hg19) VCF-style: chr2-47388858-T-G.
Other names: c.565+4A>C (NM_001305624.1); c.313+4A>C (NM_001305626.1, NM_001305625.2).
Identifiers: ClinVar variation 2785081 (VCV002785081.3), dbSNP rs1252438753, ClinGen allele CA532334542.

ClinVar aggregate classification (germline): Uncertain significance (1 of 4 stars; one submission).

Conditions:
Long QT syndrome 1 (LQT1). Identifiers: Orphanet 101016, Orphanet 768, MedGen C4551647, MONDO:0100316, OMIM 192500, MONDO:0008646.

Allele frequency attached by ClinVar (database versions not stated): gnomAD 0.00001.
gnomAD v4.1: 1 of 1,607,830 alleles (0.000062%); highest among the groups gnomAD compares: East Asian, 0.0022%; no homozygotes.

Submission:

Labcorp Genetics (formerly Invitae), Labcorp
Classification: Uncertain significance for Long QT syndrome 1. Last evaluated: 2023-12-07. Review status: criteria provided, single submitter. Criteria: Invitae Variant Classification Sherloc (09022015). Collection method: clinical testing. Allele origin: germline.
Comment: This sequence change falls in intron 5 of the CALM2 gene. It does not directly change the encoded amino acid sequence of the CALM2 protein. It affects a nucleotide within the consensus splice site. This variant is present in population databases (no rsID available, gnomAD 0.06%). This variant has not been reported in the literature in individuals affected with CALM2-related conditions. Variants that disrupt the consensus splice site are a relatively common cause of aberrant splicing (PMID: 17576681, 9536098). Algorithms developed to predict the effect of sequence changes on RNA splicing suggest that this variant is not likely to affect RNA splicing. In summary, the available evidence is currently insufficient to determine the role of this variant in disease. Therefore, it has been classified as a Variant of Uncertain Significance.

Literature cited by the submitters: PubMed 17576681; PubMed 9536098.